The following is an entry in ClinVar:

NM_001365536.1(SCN9A):c.2258G>T (p.Cys753Phe)

Genes: SCN9A (sodium voltage-gated channel alpha subunit 9; minus strand), SCN1A-AS1 (SCN1A and SCN9A antisense RNA 1; plus strand). Cytogenetic location: 2q24.3.
Variant type: single nucleotide variant.
Coding change: c.2258G>T on transcript NM_001365536.1 (MANE Select); coding-DNA position 2258, G replaced by T.
Protein change: p.Cys753Phe; replaces cysteine 753 with phenylalanine.
Molecular consequence: missense variant.
Genome position (GRCh38, 1-based): chr2:166,280,442, C>A on the plus strand (G>T on the coding strand, the complement: SCN9A is on the minus strand). VCF-style: chr2-166280442-C-A. GRCh37 (hg19) VCF-style: chr2-167136952-C-A.
Other names: c.2225G>T, p.Cys742Phe (NM_002977.4); short protein forms C742F, C753F.
Identifiers: ClinVar variation 1019116 (VCV001019116.11), dbSNP rs376502773, ClinGen allele CA1944305.

ClinVar aggregate classification (germline): Uncertain significance. Review status: criteria provided, multiple submitters, no conflicts (2 of 4 stars). 2 submissions from 2 submitters: Uncertain significance (2). Last evaluated 2023-10-20.

Conditions:
Neuropathy, hereditary sensory and autonomic, type 2A (HSAN2A). Also called: HSAN IIA; ACROOSTEOLYSIS, GIACCAI TYPE; ACROOSTEOLYSIS, NEUROGENIC; MORVAN DISEASE; NEUROPATHY, CONGENITAL SENSORY; NEUROPATHY, HEREDITARY SENSORY RADICULAR, AUTOSOMAL RECESSIVE. Identifiers: Orphanet 970, MedGen C2752089, MONDO:0024309, OMIM 201300.
Generalized epilepsy with febrile seizures plus, type 7 (GEFSP7). Also called: GEFS+, TYPE 7. Identifiers: Orphanet 36387, MedGen C2751778, MONDO:0013470, OMIM 613863.
Inborn genetic diseases. Identifiers: MedGen C0950123, MeSH D030342.

Allele frequency attached by ClinVar (database versions not stated): gnomAD 0.00001 and 0.00003; gnomAD exomes 0.00002; TOPMed 0.00002; ExAC 0.00005; ESP Exome Variant Server 0.00017.

Submissions (2):

Labcorp Genetics (formerly Invitae), Labcorp
Classification: Uncertain significance for Neuropathy, hereditary sensory and autonomic, type 2A; Generalized epilepsy with febrile seizures plus, type 7. Last evaluated: 2023-10-20. Review status: criteria provided, single submitter. Criteria: Invitae Variant Classification Sherloc (09022015). Collection method: clinical testing. Allele origin: germline.
Comment: This sequence change replaces cysteine, which is neutral and slightly polar, with phenylalanine, which is neutral and non-polar, at codon 742 of the SCN9A protein (p.Cys742Phe). This variant is present in population databases (rs376502773, gnomAD 0.008%). This variant has not been reported in the literature in individuals affected with SCN9A-related conditions. ClinVar contains an entry for this variant (Variation ID: 1019116). Advanced modeling of protein sequence and biophysical properties (such as structural, functional, and spatial information, amino acid conservation, physicochemical variation, residue mobility, and thermodynamic stability) has been performed at Invitae for this missense variant, however the output from this modeling did not meet the statistical confidence thresholds required to predict the impact of this variant on SCN9A protein function. In summary, the available evidence is currently insufficient to determine the role of this variant in disease. Therefore, it has been classified as a Variant of Uncertain Significance.

Ambry Genetics
Classification: Uncertain significance for Inborn genetic diseases. Last evaluated: 2020-02-26. Review status: criteria provided, single submitter. Criteria: Ambry Variant Classification Scheme 2023. Collection method: clinical testing. Allele origin: germline.
Comment: The p.C742F variant (also known as c.2225G>T), located in coding exon 13 of the SCN9A gene, results from a G to T substitution at nucleotide position 2225. The cysteine at codon 742 is replaced by phenylalanine, an amino acid with highly dissimilar properties. This amino acid position is highly conserved in available vertebrate species. In addition, this alteration is predicted to be deleterious by in silico analysis. Since supporting evidence is limited at this time, the clinical significance of this alteration remains unclear.